The following is an entry in ClinVar:

NM_001113491.2(SEPTIN9):c.1573+10G>A

Gene: SEPTIN9 (septin 9; plus strand). Cytogenetic location: 17q25.3.
Variant type: single nucleotide variant.
Coding change: c.1573+10G>A on transcript NM_001113491.2 (MANE Select); 10 bases into the intron after coding-DNA position 1573, G replaced by A.
Molecular consequence: intron variant.
Genome position (GRCh38, 1-based): chr17:77,493,086, G>A. VCF-style: chr17-77493086-G-A. GRCh37 (hg19) VCF-style: chr17-75489168-G-A.
Other names: c.1516+10G>A (NM_001293695.2); c.1081+10G>A (NM_001113492.2, NM_001113494.1); c.1519+10G>A (NM_006640.5); c.1552+10G>A (NM_001113493.2); c.901+10G>A (NM_001293696.2); c.820+10G>A (NM_001113496.2, NM_001293697.2, NM_001293698.2 and 1 more transcripts).
Identifiers: ClinVar variation 325565 (VCV000325565.15), dbSNP rs143783047, ClinGen allele CA8793840.

ClinVar aggregate classification (germline): Benign/Likely benign. Review status: criteria provided, multiple submitters, no conflicts (2 of 4 stars). 4 submissions from 4 submitters: Benign (3); Likely benign (1). Last evaluated 2025-11-16.

Conditions:
Amyotrophic neuralgia (HNA). Also called: AMYOTROPHY, HEREDITARY NEURALGIC; Hereditary Brachial Plexus Neuropathy; Neuritis with Brachial Predilection; AMYOTROPHY, HEREDITARY NEURALGIC, WITH PREDILECTION FOR BRACHIAL PLEXUS. Identifiers: Orphanet 2901, MedGen C1834304, MONDO:0008076, OMIM 162100.

Allele frequency attached by ClinVar (database versions not stated): gnomAD exomes 0.00029; ExAC 0.00035; ESP Exome Variant Server 0.00059; 1000 Genomes Project 30x 0.00094; 1000 Genomes Project 0.00100; gnomAD 0.00123 and 0.00135; TOPMed 0.00124.
gnomAD v4.1: 369 of 1,545,038 alleles (0.024%); highest among the groups gnomAD compares: African/African-American, 0.41%; 2 homozygotes.

Submissions (4):

Labcorp Genetics (formerly Invitae), Labcorp
Classification: Likely benign. Last evaluated: 2025-11-16. Review status: criteria provided, single submitter. Criteria: Invitae Variant Classification Sherloc (09022015). Collection method: clinical testing. Allele origin: germline.

Genome-Nilou Lab
Classification: Benign for Amyotrophic neuralgia. Last evaluated: 2021-12-05. Review status: criteria provided, single submitter. Criteria: ACMG Guidelines, 2015. Collection method: clinical testing. Allele origin: germline. Affected: no.

GeneDx
Classification: Benign. Last evaluated: 2021-09-18. Review status: criteria provided, single submitter. Criteria: GeneDx Variant Classification Process June 2021. Collection method: clinical testing. Allele origin: germline. Affected: yes.

Illumina Laboratory Services, Illumina
Classification: Benign for Amyotrophy, hereditary neuralgic. Last evaluated: 2018-01-13. Review status: criteria provided, single submitter. Criteria: ICSL Variant Classification Criteria 13 December 2019. Collection method: clinical testing. Allele origin: germline.
Comment: This variant was observed in the ICSL laboratory as part of a predisposition screen in an ostensibly healthy population. It had not been previously curated by ICSL or reported in the Human Gene Mutation Database (HGMD: prior to June 1st, 2018), and was therefore a candidate for classification through an automated scoring system. Utilizing variant allele frequency, disease prevalence and penetrance estimates, and inheritance mode, an automated score was calculated to assess if this variant is too frequent to cause the disease. Based on the score and internal cut-off values, a variant classified as benign is not then subjected to further curation. The score for this variant resulted in a classification of benign for this disease.